The following is an entry in ClinVar:

NM_001009944.3(PKD1):c.7746G>A (p.Thr2582=)

Gene: PKD1 (polycystin 1, transient receptor potential channel interacting; minus strand). Cytogenetic location: 16p13.3.
Variant type: single nucleotide variant.
Coding change: c.7746G>A on transcript NM_001009944.3 (MANE Select); coding-DNA position 7746, G replaced by A.
Protein change: p.Thr2582=; no amino-acid change (threonine 2582 retained).
Molecular consequence: synonymous variant.
Genome position (GRCh38, 1-based): chr16:2,105,982, C>T on the plus strand (G>A on the coding strand, the complement: PKD1 is on the minus strand). VCF-style: chr16-2105982-C-T. GRCh37 (hg19) VCF-style: chr16-2155983-C-T.
Other names: c.7746G>A, p.Thr2582= (NM_000296.4).
Identifiers: ClinVar variation 2498639 (VCV002498639.28), dbSNP rs141612709, ClinGen allele CA7830927.

ClinVar aggregate classification (germline): Likely benign (1 of 4 stars; one submission).

Allele frequency attached by ClinVar (database versions not stated): gnomAD 0.00001; gnomAD exomes 0.00001; ExAC 0.00002; TOPMed 0.00002; ESP Exome Variant Server 0.00013.
gnomAD v4.1: 16 of 1,602,530 alleles (0.001%); highest among the groups gnomAD compares: Non-Finnish European, 0.0012%; no homozygotes.

Submission:

CeGaT Center for Human Genetics Tuebingen
Classification: Likely benign. Last evaluated: 2023-01-01. Review status: criteria provided, single submitter. Criteria: CeGaT Center For Human Genetics Tuebingen Variant Classification Criteria Version 2. Collection method: clinical testing. Allele origin: germline. Affected: yes. Observed: 1 variant allele.
Comment: PKD1: BP4, BP7